The following is an entry in ClinVar:

ClinVar aggregate classification (germline): Uncertain significance (1 of 4 stars; one submission).

Conditions:
Candidiasis, familial, 6 (CANDF6). Also called: Candidiasis, familial, 6, autosomal dominant. Identifiers: Orphanet 1334, MedGen C3151405, MONDO:0013503, OMIM 613956.

Submission:

Labcorp Genetics (formerly Invitae), Labcorp
Classification: Uncertain significance for Candidiasis, familial, 6. Last evaluated: 2023-10-22. Review status: criteria provided, single submitter. Criteria: Invitae Variant Classification Sherloc (09022015). Collection method: clinical testing. Allele origin: germline.
Comment: This sequence change falls in intron 2 of the IL17F gene. It does not directly change the encoded amino acid sequence of the IL17F protein. It affects a nucleotide within the consensus splice site. This variant is not present in population databases (gnomAD no frequency). This variant has not been reported in the literature in individuals affected with IL17F-related conditions. Variants that disrupt the consensus splice site are a relatively common cause of aberrant splicing (PMID: 17576681, 9536098). Algorithms developed to predict the effect of sequence changes on RNA splicing suggest that this variant may disrupt the consensus splice site. In summary, the available evidence is currently insufficient to determine the role of this variant in disease. Therefore, it has been classified as a Variant of Uncertain Significance.

Literature cited by the submitters: PubMed 17576681; PubMed 9536098.

NM_052872.4(IL17F):c.254+5G>T

Gene: IL17F (interleukin 17F; minus strand). Cytogenetic location: 6p12.2.
Variant type: single nucleotide variant.
Coding change: c.254+5G>T on transcript NM_052872.4 (MANE Select); 5 bases into the intron after coding-DNA position 254, G replaced by T.
Molecular consequence: intron variant.
Genome position (GRCh38, 1-based): chr6:52,238,725, C>A on the plus strand (G>T on the coding strand, the complement: IL17F is on the minus strand). VCF-style: chr6-52238725-C-A. GRCh37 (hg19) VCF-style: chr6-52103523-C-A.
Identifiers: ClinVar variation 2770836 (VCV002770836.3), dbSNP rs571390206, ClinGen allele CA2697553490.